The following is an entry in ClinVar:

NM_002693.3(POLG):c.1459G>A (p.Asp487Asn)

Gene: POLG (DNA polymerase gamma, catalytic subunit; minus strand). Cytogenetic location: 15q26.1.
Variant type: single nucleotide variant.
Coding change: c.1459G>A on transcript NM_002693.3 (MANE Select); coding-DNA position 1459, G replaced by A.
Protein change: p.Asp487Asn; replaces aspartic acid 487 with asparagine.
Molecular consequence: missense variant.
Genome position (GRCh38, 1-based): chr15:89,327,038, C>T on the plus strand (G>A on the coding strand, the complement: POLG is on the minus strand). VCF-style: chr15-89327038-C-T. GRCh37 (hg19) VCF-style: chr15-89870269-C-T.
Other names: c.1459G>A, p.Asp487Asn (NM_001126131.2); short protein forms D487N.
Identifiers: ClinVar variation 2894880 (VCV002894880.3), dbSNP rs1437949686, ClinGen allele CA393761121.

ClinVar aggregate classification (germline): Uncertain significance (1 of 4 stars; one submission).

Conditions:
Progressive sclerosing poliodystrophy (MTDPS4A). Also called: Mitochondrial DNA depletion syndrome 4A (Alpers type); ALPERS PROGRESSIVE INFANTILE POLIODYSTROPHY; NEURONAL DEGENERATION OF CHILDHOOD WITH LIVER DISEASE, PROGRESSIVE; Alpers Syndrome; ALPERS DIFFUSE DEGENERATION OF CEREBRAL GRAY MATTER WITH HEPATIC CIRRHOSIS; Alpers-Huttenlocher Syndrome. Identifiers: Orphanet 726, MedGen C0205710, MONDO:0008758, OMIM 203700.

Allele frequency attached by ClinVar (database versions not stated): gnomAD exomes below 0.00001.

Submission:

Labcorp Genetics (formerly Invitae), Labcorp
Classification: Uncertain significance for Progressive sclerosing poliodystrophy. Last evaluated: 2023-12-25. Review status: criteria provided, single submitter. Criteria: Invitae Variant Classification Sherloc (09022015). Collection method: clinical testing. Allele origin: germline.
Comment: This sequence change replaces aspartic acid, which is acidic and polar, with asparagine, which is neutral and polar, at codon 487 of the POLG protein (p.Asp487Asn). This variant is present in population databases (no rsID available, gnomAD 0.003%). This variant has not been reported in the literature in individuals affected with POLG-related conditions. Advanced modeling of protein sequence and biophysical properties (such as structural, functional, and spatial information, amino acid conservation, physicochemical variation, residue mobility, and thermodynamic stability) performed at Invitae indicates that this missense variant is expected to disrupt POLG protein function with a positive predictive value of 95%. In summary, the available evidence is currently insufficient to determine the role of this variant in disease. Therefore, it has been classified as a Variant of Uncertain Significance.